The following is an entry in ClinVar:

NM_000138.5(FBN1):c.2131T>A (p.Cys711Ser)

Gene: FBN1 (fibrillin 1; minus strand). Cytogenetic location: 15q21.1.
Variant type: single nucleotide variant.
Coding change: c.2131T>A on transcript NM_000138.5 (MANE Select); coding-DNA position 2131, T replaced by A.
Protein change: p.Cys711Ser; replaces cysteine 711 with serine.
Molecular consequence: missense variant.
Genome position (GRCh38, 1-based): chr15:48,499,021, A>T on the plus strand (T>A on the coding strand, the complement: FBN1 is on the minus strand). VCF-style: chr15-48499021-A-T. GRCh37 (hg19) VCF-style: chr15-48791218-A-T.
Other names: short protein forms C711S.
Identifiers: ClinVar variation 1481039 (VCV001481039.6), dbSNP rs1555399481, ClinGen allele CA392336330.

ClinVar aggregate classification (germline): Pathogenic (1 of 4 stars; one submission).

Conditions:
Marfan syndrome (MFS). Also called: MARFAN SYNDROME, TYPE I; Marfan syndrome type 1; Marfan's syndrome; Marfan syndrome, classic; FBN1-Related Marfan Syndrome. Identifiers: Orphanet 284963, Orphanet 558, MedGen C0024796, MONDO:0007947, OMIM 154700.
Familial thoracic aortic aneurysm and aortic dissection (TAAD). Also called: Thoracic aortic aneurysms and dissections. Identifiers: Orphanet 91387, MedGen C4707243, MONDO:0019625.

Submission:

Labcorp Genetics (formerly Invitae), Labcorp
Classification: Pathogenic for Marfan syndrome; Familial thoracic aortic aneurysm and aortic dissection. Last evaluated: 2024-04-25. Review status: criteria provided, single submitter. Criteria: Invitae Variant Classification Sherloc (09022015). Collection method: clinical testing. Allele origin: germline.
Comment: This sequence change replaces cysteine, which is neutral and slightly polar, with serine, which is neutral and polar, at codon 711 of the FBN1 protein (p.Cys711Ser). This variant is not present in population databases (gnomAD no frequency). This missense change has been observed in individual(s) with Marfan syndrome (Invitae). ClinVar contains an entry for this variant (Variation ID: 1481039). Advanced modeling of protein sequence and biophysical properties (such as structural, functional, and spatial information, amino acid conservation, physicochemical variation, residue mobility, and thermodynamic stability) performed at Invitae indicates that this missense variant is expected to disrupt FBN1 protein function with a positive predictive value of 95%. This variant affects a cysteine residue in the EGF-like, TGFBP or hybrid motif domains of FBN1. Cysteine residues are believed to be involved in intramolecular disulfide bridges and have been shown to be important for FBN1 protein structure (PMID: 16905551, 19349279). In addition, missense substitutions affecting cysteine residues within these domains are significantly overrepresented among patients with Marfan syndrome (PMID: 16571647, 17701892). This variant disrupts the p.Cys711 amino acid residue in FBN1. Other variant(s) that disrupt this residue have been observed in individuals with FBN1-related conditions (PMID: 8863159, 27906200), which suggests that this may be a clinically significant amino acid residue. For these reasons, this variant has been classified as Pathogenic.

Literature cited by the submitters: PubMed 16905551; PubMed 19349279; PubMed 16571647; PubMed 17701892; PubMed 8863159; PubMed 27906200.